The following is an entry in ClinVar:

ClinVar aggregate classification (germline): Pathogenic (1 of 4 stars; one submission).

Conditions:
Familial adenomatous polyposis 2. Also called: COLORECTAL ADENOMATOUS POLYPOSIS, AUTOSOMAL RECESSIVE; ADENOMAS, MULTIPLE COLORECTAL, AUTOSOMAL RECESSIVE; MYH-associated polyposis; MUTYH-associated polyposis; MUTYH-related attenuated familial adenomatous polyposis; MUTYH Polyposis. Identifiers: Orphanet 220460, Orphanet 247798, MedGen C3272841, MONDO:0012041, OMIM 608456.

Submission:

All of Us Research Program, National Institutes of Health
Classification: Pathogenic for Familial adenomatous polyposis 2. Last evaluated: 2023-08-28. Review status: criteria provided, single submitter. Criteria: ACMG Guidelines, 2015. Collection method: clinical testing. Allele origin: germline. Inheritance: Autosomal recessive inheritance. Observed: 1 variant allele, 1 heterozygote.
Comment: This variant deletes 8 nucleotides in exon 14 of the MUTYH gene, creating a frameshift and premature translation stop signal. This variant is expected to result in an absent or non-functional protein product. To our knowledge, this variant has not been reported in individuals affected with MUTYH-related disorders in the literature. This variant has not been identified in the general population by the Genome Aggregation Database (gnomAD). Loss of MUTYH function is a known mechanism of disease. Based on the available evidence, this variant is classified as Pathogenic.

This study involves interpretation of variants in research participants for the purpose of population health screening. Participant phenotype was not available at the time of variant classification. Additional details can be found in publication PMID: 35346344, PMCID: PMC8962531

NM_001048174.2(MUTYH):c.1321_1328del (p.Val441fs)

Gene: MUTYH (mutY DNA glycosylase; minus strand). Cytogenetic location: 1p34.1.
Variant type: Deletion.
Coding change: c.1321_1328del on transcript NM_001048174.2 (MANE Select); coding-DNA positions 1321 to 1328, 8 bases deleted (GTACCACC; older notation c.1321_1328delGTACCACC).
Protein change: p.Val441fs; shifts the reading frame from valine 441.
Molecular consequence: frameshift variant. On other transcripts: non-coding transcript variant (7).
Genome position (GRCh38, 1-based): chr1:45,331,246-45,331,253, GGTGGTAC deleted on the plus strand (GTACCACC on the coding strand, the reverse complement: MUTYH is on the minus strand); deleting any 8 consecutive bases within chr1:45,331,246-45,331,259 gives the same sequence; the c. name uses the placement nearest the transcript's 3' end. VCF-style (leftmost placement, unchanged base first): chr1-45331245-TGGTGGTAC-T. GRCh37 (hg19) VCF-style: chr1-45796917-TGGTGGTAC-T.
Other names: c.1321_1328del, p.Val441fs (NM_001048171.2, NM_001407070.1, NM_001407072.1 and 6 more transcripts); c.1324_1331del, p.Val442fs (NM_001048172.2, NM_001407071.1, NM_001407078.1 and 1 more transcripts); c.976_983del, p.Val326fs (NM_001350650.2, NM_001350651.2, NM_001407082.1); c.1354_1361del, p.Val452fs (NM_001407069.1, NM_001407077.1, NM_001293191.2); c.1237_1244del, p.Val413fs (NM_001407075.1); c.1282_1289del, p.Val428fs (NM_001407079.1); c.1279_1286del, p.Val427fs (NM_001407080.1); c.1363_1370del, p.Val455fs (NM_001407083.1, NM_001407085.1); and 5 more; short protein forms V326fs, V349fs, V413fs, V427fs, V428fs, V441fs, V442fs, V448fs.
Identifiers: ClinVar variation 3073240 (VCV003073240.1), dbSNP rs1644777520, ClinGen allele CA1001243563.
Genomic context (GRCh38, chr1:45,331,245, plus strand): 5'-TTTCATGGCGGTGGAAACAGCTGCGGTGTGAAATTCCTCCTGCGTCAGCCAGCGAGCACC[TGGTGGTAC>T]GGTGGTCACTGGGGTCTGCCCTTCCAAGGCCAGCCCATATACTTGATATGTCAGCTTGAT-3'